The following is an entry in ClinVar:

ClinVar aggregate classification (germline): Uncertain significance (1 of 4 stars; one submission).

Submission:

Ambry Genetics
Classification: Uncertain significance. Last evaluated: 2025-07-14. Review status: criteria provided, single submitter. Criteria: Ambry Variant Classification Scheme 2023. Collection method: clinical testing. Allele origin: germline.
Comment: The p.Q547R variant (also known as c.1640A>G), located in coding exon 2 of the CDK12 gene, results from an A to G substitution at nucleotide position 1640. The glutamine at codon 547 is replaced by arginine, an amino acid with highly similar properties. This amino acid position is conserved. In addition, this alteration is predicted to be tolerated by in silico analysis. Based on the available evidence, the clinical significance of this variant remains unclear.

NM_016507.4(CDK12):c.1640A>G (p.Gln547Arg)

Gene: CDK12 (cyclin dependent kinase 12; plus strand). Cytogenetic location: 17q12.
Variant type: single nucleotide variant.
Coding change: c.1640A>G on transcript NM_016507.4 (MANE Select); coding-DNA position 1640, A replaced by G.
Protein change: p.Gln547Arg; replaces glutamine 547 with arginine.
Molecular consequence: missense variant.
Genome position (GRCh38, 1-based): chr17:39,471,472, A>G. VCF-style: chr17-39471472-A-G. GRCh37 (hg19) VCF-style: chr17-37627725-A-G.
Other names: c.1640A>G, p.Gln547Arg (NM_015083.4); short protein forms Q547R.
Identifiers: ClinVar variation 4224290 (VCV004224290.1).
Genomic context (GRCh38, chr17:39,471,472, plus strand): 5'-CACCTCTTCCCACAATTGCTTCTCCCCCACCCCCTCTACCAACTACTACCCCTCCACCTC[A>G]GACACCCCCTTTGCCACCTTTGCCTCCAATACCAGCTCTTCCACAGCAACCACCTCTGCC-3'
Protein context (NP_057591.2, residues 537-557): PPLPTTTPPP[Gln547Arg]TPPLPPLPPI